The following is an entry in ClinVar:

ClinVar aggregate classification (germline): Pathogenic (1 of 4 stars; one submission).

Conditions:
Charcot-Marie-Tooth disease type 2. Also called: Charcot-Marie-Tooth type 2. Identifiers: Orphanet 64746, MedGen C0270914, MONDO:0018993.

Submission:

Labcorp Genetics (formerly Invitae), Labcorp
Classification: Pathogenic for Charcot-Marie-Tooth disease type 2. Last evaluated: 2024-11-02. Review status: criteria provided, single submitter. Criteria: Invitae Variant Classification Sherloc (09022015). Collection method: clinical testing. Allele origin: germline.
Comment: This variant results in the deletion of part of exon 2 (c.357-396_434del) of the LMNA gene. It is expected to disrupt RNA splicing. Variants that disrupt the donor or acceptor splice site typically lead to a loss of protein function (PMID: 16199547), and loss-of-function variants in LMNA are known to be pathogenic (PMID: 18585512, 18926329). This variant is not present in population databases (gnomAD no frequency). This variant has not been reported in the literature in individuals affected with LMNA-related conditions. This variant disrupts a region of the LMNA protein in which other variant(s) (p.Lys123del) have been determined to be pathogenic (PMID: 22019351, 24642510; external communication, internal data). This suggests that this is a clinically significant region of the protein, and that variants that disrupt it are likely to be disease-causing. For these reasons, this variant has been classified as Pathogenic.

Literature cited by the submitters: PubMed 16199547; PubMed 18585512; PubMed 18926329; PubMed 22019351; PubMed 24642510.

NM_170707.4(LMNA):c.357-396_434del

Genes: LMNA (lamin A/C; plus strand), LOC126805877 (MED14-independent group 3 enhancer GRCh37_chr1:156099693-156100892; plus strand). Cytogenetic location: 1q22.
Variant type: Deletion.
Coding change: c.357-396_434del on transcript NM_170707.4 (MANE Select); 396 bases into the intron before coding-DNA position 357 through coding-DNA position 434, 474 bases deleted.
Molecular consequence: splice acceptor variant. On other transcripts: intron variant (4).
Genome position (GRCh38, 1-based): chr1:156,130,221-156,130,694, 474 bases deleted. GRCh37 (hg19): chr1:156,100,012-156,100,485.
Other names: c.357-396_434del (NM_001406983.1, NM_001282625.2, NM_001406984.1 and 6 more transcripts); c.-45-4182_-45-3709del (NM_001407002.1, NM_001406995.1, NM_001406990.1); c.-202-396_-125del (NM_001406993.1, NM_001407003.1, NM_001406996.1 and 1 more transcripts); c.-308-396_-231del (NM_001406999.1, NM_001407000.1, NM_001406994.1); c.114-396_191del (NM_001406986.1, NM_001406987.1, NM_001282624.2); c.-151-4182_-151-3709del (NM_001407001.1); c.21-396_98del (NM_001406989.1, NM_001257374.3, NM_001406998.1); c.59+313_137del (NM_001406988.1).
Identifiers: ClinVar variation 3724469 (VCV003724469.2).